The following is an entry in ClinVar:

NM_003000.3(SDHB):c.187G>A (p.Val63Ile)

Gene: SDHB (succinate dehydrogenase complex iron sulfur subunit B; minus strand). Cytogenetic location: 1p36.13.
Variant type: single nucleotide variant.
Coding change: c.187G>A on transcript NM_003000.3 (MANE Select); coding-DNA position 187, G replaced by A.
Protein change: p.Val63Ile; replaces valine 63 with isoleucine.
Molecular consequence: missense variant.
Genome position (GRCh38, 1-based): chr1:17,044,774, C>T on the plus strand (G>A on the coding strand, the complement: SDHB is on the minus strand). VCF-style: chr1-17044774-C-T. GRCh37 (hg19) VCF-style: chr1-17371269-C-T.
Other names: short protein forms V63I.
Identifiers: ClinVar variation 950557 (VCV000950557.8), dbSNP rs2078099260, ClinGen allele CA338227737.

ClinVar aggregate classification (germline): Conflicting classifications of pathogenicity. Review status: criteria provided, conflicting classifications (1 of 4 stars). 2 submissions from 2 submitters: Uncertain significance (1); Likely benign (1). Last evaluated 2024-10-15.

Conditions:
Gastrointestinal stromal tumor. Also called: Gastrointestinal stromal tumor, somatic; Gastrointestinal stroma tumor. Identifiers: Orphanet 44890, MedGen C0238198, MeSH D046152, MONDO:0011719, OMIM 606764, HP:0100723.
Pheochromocytoma/paraganglioma syndrome 4. Also called: CAROTID BODY TUMORS AND MULTIPLE EXTRAADRENAL PHEOCHROMOCYTOMAS; SDHB-Related Hereditary Paraganglioma-Pheochromocytoma Syndrome; Paragangliomas 4; SDHB-Related Hereditary Paraganglioma-Pheochromocytoma Syndrome (Paragangliomas 4); PARAGANGLIOMA, FAMILIAL MALIGNANT; PARAGANGLIOMAS, HEREDITARY EXTRAADRENAL. Identifiers: Orphanet 29072, MedGen C1861848, MONDO:0007273, OMIM 115310.
Pheochromocytoma. Also called: MAX-Related Hereditary Paraganglioma-Pheochromocytoma Syndrome. Identifiers: Orphanet 29072, MedGen C0031511, MONDO:0008233, OMIM 171300, HP:0002666.
Hereditary cancer-predisposing syndrome. Also called: Hereditary neoplastic syndrome; Neoplastic Syndromes, Hereditary; Hereditary Cancer Syndrome; Tumor predisposition. Identifiers: Orphanet 140162, MedGen C0027672, MeSH D009386, MONDO:0015356.

Allele frequency attached by ClinVar (database versions not stated): gnomAD exomes below 0.00001.
gnomAD v4.1: 2 of 1,614,130 alleles (0.00012%); highest among the groups gnomAD compares: Non-Finnish European, 0.00017%; no homozygotes.

Submissions (2):

Ambry Genetics
Classification: Likely benign for Hereditary cancer-predisposing syndrome. Last evaluated: 2024-10-15. Review status: criteria provided, single submitter. Criteria: Ambry Variant Classification Scheme 2023. Collection method: clinical testing. Allele origin: germline.

Labcorp Genetics (formerly Invitae), Labcorp
Classification: Uncertain significance for Gastrointestinal stromal tumor; Pheochromocytoma/paraganglioma syndrome 4; Pheochromocytoma. Last evaluated: 2022-08-28. Review status: criteria provided, single submitter. Criteria: Invitae Variant Classification Sherloc (09022015). Collection method: clinical testing. Allele origin: germline.
Comment: In summary, the available evidence is currently insufficient to determine the role of this variant in disease. Therefore, it has been classified as a Variant of Uncertain Significance. Advanced modeling of protein sequence and biophysical properties (such as structural, functional, and spatial information, amino acid conservation, physicochemical variation, residue mobility, and thermodynamic stability) performed at Invitae indicates that this missense variant is not expected to disrupt SDHB protein function. ClinVar contains an entry for this variant (Variation ID: 950557). This variant has not been reported in the literature in individuals affected with SDHB-related conditions. This variant is not present in population databases (gnomAD no frequency). This sequence change replaces valine, which is neutral and non-polar, with isoleucine, which is neutral and non-polar, at codon 63 of the SDHB protein (p.Val63Ile).